The following is an entry in ClinVar:

NM_144666.3(DNHD1):c.10397_10399delinsAGCTCTTG (p.Trp3466_Leu3467delinsTer)

Gene: DNHD1 (dynein heavy chain domain 1; plus strand). Cytogenetic location: 11p15.4.
Variant type: Indel.
Coding change: c.10397_10399delinsAGCTCTTG on transcript NM_144666.3 (MANE Select); coding-DNA positions 10397 to 10399, GGT replaced by AGCTCTTG.
Protein change: p.Trp3466_Leu3467delinsTer.
Molecular consequence: nonsense.
Genome position (GRCh38, 1-based): chr11:6,564,445-6,564,447, GGT replaced by AGCTCTTG. VCF-style: chr11-6564445-GGT-AGCTCTTG. GRCh37 (hg19) VCF-style: chr11-6585675-GGT-AGCTCTTG.
Identifiers: ClinVar variation 5007904 (VCV005007904.2).

ClinVar aggregate classification (germline): Likely pathogenic (1 of 4 stars; one submission).

Conditions:
Spermatogenic failure 65 (SPGF65). Identifiers: MedGen C5562067, MONDO:0030531, OMIM 619712.

Submission:

Juno Genomics, Hangzhou Juno Genomics, Inc
Classification: Likely pathogenic for Spermatogenic failure 65. Review status: criteria provided, single submitter. Criteria: ACMG Guidelines, 2015. Collection method: clinical testing. Allele origin: germline.
Comment: Null variant in a gene where loss of function (LOF) is a known mechanism of disease.;Absent from controls (or at extremely low frequency if recessive) in Genome Aggregation Database.